The following is an entry in ClinVar:

NM_001142800.2(EYS):c.2909G>A (p.Cys970Tyr)

Gene: EYS (EGF-like photoreceptor maintenance factor; minus strand). Cytogenetic location: 6q12.
Variant type: single nucleotide variant.
Coding change: c.2909G>A on transcript NM_001142800.2 (MANE Select); coding-DNA position 2909, G replaced by A.
Protein change: p.Cys970Tyr; replaces cysteine 970 with tyrosine.
Molecular consequence: missense variant.
Genome position (GRCh38, 1-based): chr6:64,886,780, C>T on the plus strand (G>A on the coding strand, the complement: EYS is on the minus strand). VCF-style: chr6-64886780-C-T. GRCh37 (hg19) VCF-style: chr6-65596673-C-T.
Other names: c.2909G>A, p.Cys970Tyr (NM_001292009.2); short protein forms C970Y.
Identifiers: ClinVar variation 853939 (VCV000853939.7), dbSNP rs1767101953, ClinGen allele CA364788778.
Genomic context (GRCh38, chr6:64,886,780, plus strand): 5'-CAGTTGTATCCATCAGTCCTGTAGACACAATTTTCTTCATCTAGACAAGGTGAGATTTTA[C>T]ATTTATTTACATCAAGTTCACAGAAGGGCCCATGGTACTCAGGTTCACAATTACAAAAAA-3'
Protein context (NP_001136272.1, residues 960-980): GPFCELDVNK[Cys970Tyr]KISPCLDEEN

ClinVar aggregate classification (germline): Uncertain significance (1 of 4 stars; one submission).

Allele frequency attached by ClinVar (database versions not stated): gnomAD exomes below 0.00001; TOPMed below 0.00001.
gnomAD v4.1: 1 of 1,546,636 alleles (0.000065%); highest among the groups gnomAD compares: Non-Finnish European, 0.000087%; no homozygotes.

Submission:

Labcorp Genetics (formerly Invitae), Labcorp
Classification: Uncertain significance. Last evaluated: 2022-12-21. Review status: criteria provided, single submitter. Criteria: Invitae Variant Classification Sherloc (09022015). Collection method: clinical testing. Allele origin: germline.
Comment: In summary, the available evidence is currently insufficient to determine the role of this variant in disease. Therefore, it has been classified as a Variant of Uncertain Significance. This sequence change replaces cysteine, which is neutral and slightly polar, with tyrosine, which is neutral and polar, at codon 970 of the EYS protein (p.Cys970Tyr). This variant is not present in population databases (gnomAD no frequency). This variant has not been reported in the literature in individuals affected with EYS-related conditions. ClinVar contains an entry for this variant (Variation ID: 853939). Algorithms developed to predict the effect of missense changes on protein structure and function (SIFT, PolyPhen-2, Align-GVGD) all suggest that this variant is likely to be disruptive.